The following is an entry in ClinVar:

NM_014491.4(FOXP2):c.1204C>T (p.Leu402Phe)

Gene: FOXP2 (forkhead box P2; plus strand). Cytogenetic location: 7q31.1.
Variant type: single nucleotide variant.
Coding change: c.1204C>T on transcript NM_014491.4 (MANE Select); coding-DNA position 1204, C replaced by T.
Protein change: p.Leu402Phe; replaces leucine 402 with phenylalanine.
Molecular consequence: missense variant. On other transcripts: non-coding transcript variant (2).
Genome position (GRCh38, 1-based): chr7:114,653,947, C>T. VCF-style: chr7-114653947-C-T. GRCh37 (hg19) VCF-style: chr7-114294002-C-T.
Other names: c.1201C>T, p.Leu401Phe (NM_001172766.3); c.1279C>T, p.Leu427Phe (NM_001172767.2, NM_148898.4); c.1204C>T, p.Leu402Phe (NM_148899.3); c.1255C>T, p.Leu419Phe (NM_148900.4); short protein forms L401F, L402F, L419F, L427F.
Identifiers: ClinVar variation 3369394 (VCV003369394.1).
Genomic context (GRCh38, chr7:114,653,947, plus strand): 5'-CATTTCTAAAACGCTTCTGATCTCACTCTTTCTTAACAGCTTTCTAAAGAACGCGAACGT[C>T]TTCAAGCAATGATGACCCACTTGCACATGCGACCCTCAGAGCCCAAACCATCTCCCAAAC-3'
Protein context (NP_055306.1, residues 392-412): EIQLSKERER[Leu402Phe]QAMMTHLHMR

ClinVar aggregate classification (germline): Uncertain significance (1 of 4 stars; one submission).

gnomAD v4.1: 1 of 1,613,192 alleles (0.000062%); highest among the groups gnomAD compares: East Asian, 0.0022%; no homozygotes.

Submission:

GeneDx
Classification: Uncertain significance. Last evaluated: 2024-02-21. Review status: criteria provided, single submitter. Criteria: GeneDx Variant Classification Process June 2021. Collection method: clinical testing. Allele origin: germline. Affected: yes.
Comment: Not observed at significant frequency in large population cohorts (gnomAD); In silico analysis supports that this missense variant has a deleterious effect on protein structure/function; Has not been previously published as pathogenic or benign to our knowledge